The following is an entry in ClinVar:

NM_001127222.2(CACNA1A):c.3154C>T (p.Gln1052Ter)

Gene: CACNA1A (calcium voltage-gated channel subunit alpha1 A; minus strand). Cytogenetic location: 19p13.13.
Variant type: single nucleotide variant.
Coding change: c.3154C>T on transcript NM_001127222.2 (MANE Select); coding-DNA position 3154, C replaced by T.
Protein change: p.Gln1052Ter; replaces glutamine 1052 with a stop codon.
Molecular consequence: nonsense.
Genome position (GRCh38, 1-based): chr19:13,286,902, G>A on the plus strand (C>T on the coding strand, the complement: CACNA1A is on the minus strand). VCF-style: chr19-13286902-G-A. GRCh37 (hg19) VCF-style: chr19-13397716-G-A.
Other names: c.3157C>T, p.Gln1053Ter (NM_001127221.2, NM_001174080.2); c.3166C>T, p.Gln1056Ter (NM_023035.3, NM_000068.4); short protein forms Q1053*, Q1056*, Q1052*.
Identifiers: ClinVar variation 620224 (VCV000620224.1), dbSNP rs1568495944, ClinGen allele CA404341956.
Genomic context (GRCh38, chr19:13,286,902, plus strand): 5'-TGTTGTTCTTCATGTTGTCAATATCCTCTGCCAGGGGTGGGTCTTGGCGGCCCAGGTCCT[G>A]CTGGATTGGCCGGGTGGTTGACAGGTTGGGGCCCGACACAGGGACCCCGGAGCCCTGGTT-3'

ClinVar aggregate classification (germline): Pathogenic (1 of 4 stars; one submission).

Submission:

GeneDx
Classification: Pathogenic. Last evaluated: 2018-06-06. Review status: criteria provided, single submitter. Criteria: GeneDx Variant Classification (06012015). Collection method: clinical testing. Allele origin: germline. Affected: yes.
Comment: The Q1053X variant in the CACNA1A gene has not been reported previously as a pathogenic variant nor as a benign variant, to our knowledge. This variant is predicted to cause loss of normal protein function either through protein truncation or nonsense-mediated mRNA decay. The Q1053X variant is not observed in large population cohorts (Lek et al., 2016). We interpret Q1053X as a pathogenic variant.